The following is an entry in ClinVar:

ClinVar aggregate classification (germline): Uncertain significance (1 of 4 stars; one submission).

gnomAD v4.1: 9 of 1,613,884 alleles (0.00056%); highest among the groups gnomAD compares: South Asian, 0.0033%; no homozygotes.

Submission:

Labcorp Genetics (formerly Invitae), Labcorp
Classification: Uncertain significance. Last evaluated: 2024-08-14. Review status: criteria provided, single submitter. Criteria: Invitae Variant Classification Sherloc (09022015). Collection method: clinical testing. Allele origin: germline.
Comment: This sequence change replaces arginine, which is basic and polar, with glutamine, which is neutral and polar, at codon 2261 of the COL7A1 protein (p.Arg2261Gln). This variant is present in population databases (rs759875270, gnomAD 0.007%). This variant has not been reported in the literature in individuals affected with COL7A1-related conditions. Invitae Evidence Modeling of protein sequence and biophysical properties (such as structural, functional, and spatial information, amino acid conservation, physicochemical variation, residue mobility, and thermodynamic stability) has been performed for this missense variant. However, the output from this modeling did not meet the statistical confidence thresholds required to predict the impact of this variant on COL7A1 protein function. In summary, the available evidence is currently insufficient to determine the role of this variant in disease. Therefore, it has been classified as a Variant of Uncertain Significance.

NM_000094.4(COL7A1):c.6782G>A (p.Arg2261Gln)

Gene: COL7A1 (collagen type VII alpha 1 chain; minus strand). Cytogenetic location: 3p21.31.
Variant type: single nucleotide variant.
Coding change: c.6782G>A on transcript NM_000094.4 (MANE Select); coding-DNA position 6782, G replaced by A.
Protein change: p.Arg2261Gln; replaces arginine 2261 with glutamine.
Molecular consequence: missense variant.
Genome position (GRCh38, 1-based): chr3:48,572,911, C>T on the plus strand (G>A on the coding strand, the complement: COL7A1 is on the minus strand). VCF-style: chr3-48572911-C-T. GRCh37 (hg19) VCF-style: chr3-48610344-C-T.
Other names: short protein forms R2261Q.
Identifiers: ClinVar variation 3628994 (VCV003628994.2).